The following is an entry in ClinVar:

ClinVar aggregate classification (germline): Pathogenic/Likely pathogenic. Review status: criteria provided, multiple submitters, no conflicts (2 of 4 stars). 4 submissions from 4 submitters: Pathogenic (2); Likely pathogenic (2). Last evaluated 2025-01-21.

Conditions:
Autosomal recessive spinocerebellar ataxia 10. Identifiers: Orphanet 284289, MedGen C3150998, MONDO:0013392, OMIM 613728.
ANO10-related disorder. Also called: ANO10-related condition.

gnomAD v4.1: 1 of 1,614,190 alleles (0.000062%); highest among the groups gnomAD compares: Non-Finnish European, 0.000085%; no homozygotes.

Submissions (4):

Myriad Genetics, Inc.
Classification: Pathogenic for Autosomal recessive spinocerebellar ataxia 10. Last evaluated: 2025-01-21. Review status: criteria provided, single submitter. Criteria: Myriad Autosomal Dominant, Autosomal Recessive and X-Linked Classification Criteria (2023). Collection method: clinical testing. Allele origin: unknown.
Comment: NM_018075.3(ANO10):c.986C>G(S329*) is expected to be pathogenic in the context of spinocerebellar ataxia, ANO10-related. This variant is predicted to lead to an abnormal or absent protein product due to the creation of a premature termination codon in ANO10, a gene where loss-of-function variants are known to be pathogenic. Please note: this variant was assessed in the context of healthy population screening.

Blueprint Genetics
Classification: Likely pathogenic for ANO10-related disorders. Last evaluated: 2024-04-09. Review status: criteria provided, single submitter. Criteria: ACMG Guidelines, 2015. Collection method: clinical testing. Allele origin: germline. Affected: yes. Observed: 3 variant alleles.

Labcorp Genetics (formerly Invitae), Labcorp
Classification: Pathogenic. Last evaluated: 2023-10-29. Review status: criteria provided, single submitter. Criteria: Invitae Variant Classification Sherloc (09022015). Collection method: clinical testing. Allele origin: germline.
Comment: This sequence change creates a premature translational stop signal (p.Ser329*) in the ANO10 gene. It is expected to result in an absent or disrupted protein product. Loss-of-function variants in ANO10 are known to be pathogenic (PMID: 25089919). This variant is not present in population databases (gnomAD no frequency). This variant has not been reported in the literature in individuals affected with ANO10-related conditions. For these reasons, this variant has been classified as Pathogenic.

Department of Pathology and Laboratory Medicine, Sinai Health System
Classification: Likely pathogenic for Autosomal recessive spinocerebellar ataxia 10. Last evaluated: 2023-01-18. Review status: criteria provided, single submitter. Criteria: ACMG Guidelines, 2015. Collection method: research. Allele origin: germline.

Literature cited by the submitters: PubMed 25089919 (cited by Labcorp Genetics (formerly Invitae), Labcorp).

NM_018075.5(ANO10):c.986C>G (p.Ser329Ter)

Gene: ANO10 (anoctamin 10; minus strand). Cytogenetic location: 3p22.1.
Variant type: single nucleotide variant.
Coding change: c.986C>G on transcript NM_018075.5 (MANE Select); coding-DNA position 986, C replaced by G.
Protein change: p.Ser329Ter; replaces serine 329 with a stop codon.
Molecular consequence: nonsense. On other transcripts: intron variant (1).
Genome position (GRCh38, 1-based): chr3:43,576,868, G>C on the plus strand (C>G on the coding strand, the complement: ANO10 is on the minus strand). VCF-style: chr3-43576868-G-C. GRCh37 (hg19) VCF-style: chr3-43618360-G-C.
Other names: c.653C>G, p.Ser218Ter (NM_001204833.3); c.986C>G, p.Ser329Ter (NM_001346463.2, NM_001346464.2, NM_001346465.2 and 3 more transcripts); c.788C>G, p.Ser263Ter (NM_001346466.2, NM_001346469.2, NM_001204832.3); c.593-2004C>G (NM_001204834.3); short protein forms S218*, S263*, S329*.
Identifiers: ClinVar variation 2962292 (VCV002962292.6), dbSNP rs764440861, ClinGen allele CA352343436.